The following is an entry in ClinVar:

ClinVar aggregate classification (germline): Uncertain significance (1 of 4 stars; one submission).

Allele frequency attached by ClinVar (database versions not stated): gnomAD exomes below 0.00001 and 0.00002; ExAC 0.00002; gnomAD 0.00003 and 0.00004; TOPMed 0.00003; ESP Exome Variant Server 0.00008.
gnomAD v4.1: 7 of 1,604,580 alleles (0.00044%); highest among the groups gnomAD compares: African/African-American, 0.004%; no homozygotes.

Submission:

Labcorp Genetics (formerly Invitae), Labcorp
Classification: Uncertain significance. Last evaluated: 2021-09-01. Review status: criteria provided, single submitter. Criteria: Invitae Variant Classification Sherloc (09022015). Collection method: clinical testing. Allele origin: germline.
Comment: This sequence change replaces histidine with arginine at codon 264 of the STN1 protein (p.His264Arg). The histidine residue is moderately conserved and there is a small physicochemical difference between histidine and arginine. This variant is present in population databases (rs367699574, ExAC 0.01%). This variant has not been reported in the literature in individuals affected with STN1-related conditions. Algorithms developed to predict the effect of missense changes on protein structure and function (SIFT, PolyPhen-2, Align-GVGD) all suggest that this variant is likely to be tolerated. In summary, the available evidence is currently insufficient to determine the role of this variant in disease. Therefore, it has been classified as a Variant of Uncertain Significance.

NM_024928.5(STN1):c.791A>G (p.His264Arg)

Gene: STN1 (STN1 subunit of CST complex; minus strand). Cytogenetic location: 10q24.33.
Variant type: single nucleotide variant.
Coding change: c.791A>G on transcript NM_024928.5 (MANE Select); coding-DNA position 791, A replaced by G.
Protein change: p.His264Arg; replaces histidine 264 with arginine.
Molecular consequence: missense variant.
Genome position (GRCh38, 1-based): chr10:103,892,215, T>C on the plus strand (A>G on the coding strand, the complement: STN1 is on the minus strand). VCF-style: chr10-103892215-T-C. GRCh37 (hg19) VCF-style: chr10-105651973-T-C.
Other names: short protein forms H264R.
Identifiers: ClinVar variation 1515331 (VCV001515331.5), dbSNP rs367699574, ClinGen allele CA5676502.
Genomic context (GRCh38, chr10:103,892,215, plus strand): 5'-TCTTTCTGGAAAACAAGTCCTTTTTCCTGCAGCAGTTGTATAGCATTCTTAAATATACTA[T>C]GAATTGCCTTGGAAGTGGTGTCCTTCTTAAAATTCACCTGTAAAGAGAGGAAAAAGAAAA-3'
Protein context (NP_079204.2, residues 254-274): FKKDTTSKAI[His264Arg]SIFKNAIQLL